The following is an entry in ClinVar:

NM_000277.3(PAH):c.257G>C (p.Arg86Pro)

Gene: PAH (phenylalanine hydroxylase; minus strand). Cytogenetic location: 12q23.2.
Variant type: single nucleotide variant.
Coding change: c.257G>C on transcript NM_000277.3 (MANE Select); coding-DNA position 257, G replaced by C.
Protein change: p.Arg86Pro; replaces arginine 86 with proline.
Molecular consequence: missense variant.
Genome position (GRCh38, 1-based): chr12:102,894,830, C>G on the plus strand (G>C on the coding strand, the complement: PAH is on the minus strand). VCF-style: chr12-102894830-C-G. GRCh37 (hg19) VCF-style: chr12-103288608-C-G.
Other names: c.257G>C, p.Arg86Pro (NM_001354304.2); short protein forms R86P.
Identifiers: ClinVar variation 3382859 (VCV003382859.3).

ClinVar aggregate classification (germline): Likely pathogenic (1 of 4 stars; one submission).

Conditions:
Phenylketonuria (PKU). Also called: FOLLING DISEASE; OLIGOPHRENIA PHENYLPYRUVICA; Phenylketonurias; Phenylketonuria (PKU). Identifiers: Orphanet 716, MedGen C0031485, MONDO:0009861, OMIM 261600. Disease mechanism: loss of function.

Submission:

Juno Genomics, Hangzhou Juno Genomics, Inc
Classification: Likely pathogenic for Phenylketonuria. Review status: criteria provided, single submitter. Criteria: ACMG Guidelines, 2015. Collection method: clinical testing. Allele origin: germline. Affected: yes.
Comment: Absent from controls (or at extremely low frequency if recessive) in Genome Aggregation Database, Exome Sequencing Project, 1000 Genomes Project, or Exome Aggregation Consortium.;For recessive disorders, detected in trans with a pathogenic variant.;Patient's phenotype or family history is highly specific for a disease with a single genetic etiology.